The following is an entry in ClinVar:

NM_000486.6(AQP2):c.569C>T (p.Ala190Val)

Genes: AQP2 (aquaporin 2; plus strand), AQP5-AS1 (AQP5 and AQP2 antisense RNA 2; minus strand). Cytogenetic location: 12q13.12.
Variant type: single nucleotide variant.
Coding change: c.569C>T on transcript NM_000486.6 (MANE Select); coding-DNA position 569, C replaced by T.
Protein change: p.Ala190Val; replaces alanine 190 with valine.
Molecular consequence: missense variant.
Genome position (GRCh38, 1-based): chr12:49,954,673, C>T. VCF-style: chr12-49954673-C-T. GRCh37 (hg19) VCF-style: chr12-50348456-C-T.
Other names: short protein forms A190V.
Identifiers: ClinVar variation 3250453 (VCV003250453.1), dbSNP rs2547998423.

ClinVar aggregate classification (germline): Uncertain significance (1 of 4 stars; one submission).

Conditions:
Diabetes insipidus, nephrogenic, autosomal (NDI2). Also called: Diabetes insipidus, nephrogenic, 2, autosomal; Nephrogenic Diabetes Insipidus, Type II. Identifiers: Orphanet 223, MedGen C1563706, MONDO:0007451, OMIM 125800.

Submission:

Neuberg Centre For Genomic Medicine, NCGM
Classification: Uncertain significance for Diabetes insipidus, nephrogenic, autosomal. Review status: criteria provided, single submitter. Criteria: ACMG Guidelines, 2015. Collection method: clinical testing. Allele origin: germline. Inheritance: Autosomal recessive inheritance. Affected: yes.
Comment: The missense c.569C>T (p.Ala190Val) variant in AQP2 gene has not been reported previously as a pathogenic variant nor as a benign variant, to our knowledge. The variant p.Ala190Val is absent in gnomAD and 1000 Genomes. This variant has not been reported to the ClinVar database. The amino acid change p.Ala190Val in AQP2 is predicted as conserved by GERP++ and PhyloP across 100 vertebrates. The amino acid Ala at position 190 is changed to a Val changing protein sequence and it might alter its composition and physico-chemical properties. For these reasons, this variant has been classified as Variant of Uncertain Significance (VUS).